The following is an entry in ClinVar:

NM_001129.5(AEBP1):c.2383dup (p.Glu795fs)

Gene: AEBP1 (AE binding protein 1; plus strand). Cytogenetic location: 7p13.
Variant type: Duplication.
Coding change: c.2383dup on transcript NM_001129.5 (MANE Select); coding-DNA position 2383, one base duplicated (G; older notation c.2383dupG).
Protein change: p.Glu795fs; shifts the reading frame from glutamic acid 795.
Molecular consequence: frameshift variant.
Genome position (GRCh38, 1-based): chr7:44,112,723, G duplicated; the last of 6 consecutive G bases (chr7:44,112,718-44,112,723); duplicating any one gives the same sequence. VCF-style (leftmost placement, unchanged base first): chr7-44112717-C-CG. GRCh37 (hg19) VCF-style: chr7-44152316-C-CG.
Other names: short protein forms E795fs.
Identifiers: ClinVar variation 2795016 (VCV002795016.3), dbSNP rs1173771882, ClinGen allele CA574226079.

ClinVar aggregate classification (germline): Pathogenic (1 of 4 stars; one submission).

Submission:

Labcorp Genetics (formerly Invitae), Labcorp
Classification: Pathogenic. Last evaluated: 2023-10-03. Review status: criteria provided, single submitter. Criteria: Invitae Variant Classification Sherloc (09022015). Collection method: clinical testing. Allele origin: germline.
Comment: This sequence change creates a premature translational stop signal (p.Glu795Glyfs*3) in the AEBP1 gene. It is expected to result in an absent or disrupted protein product. Loss-of-function variants in AEBP1 are known to be pathogenic (PMID: 29606302). This variant is not present in population databases (gnomAD no frequency). This variant has not been reported in the literature in individuals affected with AEBP1-related conditions. For these reasons, this variant has been classified as Pathogenic.

Literature cited by the submitters: PubMed 29606302.